The following is an entry in ClinVar:

ClinVar aggregate classification (germline): Uncertain significance. Review status: criteria provided, multiple submitters, no conflicts (2 of 4 stars). 5 submissions from 5 submitters: Uncertain significance (5). Last evaluated 2025-09-04.

Conditions:
Aortic aneurysm, familial thoracic 7 (AAT7). Also called: AORTIC DISSECTION, FAMILIAL, WITH OR WITHOUT AORTIC ANEURYSM. Identifiers: MedGen C3151077, MONDO:0013418, OMIM 613780.
Megacystis-microcolon-intestinal hypoperistalsis syndrome 1. Identifiers: MedGen C5542316, MONDO:0100354, OMIM 249210.
Familial thoracic aortic aneurysm and aortic dissection (TAAD). Also called: Thoracic aortic aneurysms and dissections. Identifiers: Orphanet 91387, MedGen C4707243, MONDO:0019625.

Allele frequency attached by ClinVar (database versions not stated): TOPMed below 0.00001; gnomAD 0.00001; ESP Exome Variant Server 0.00008.
gnomAD v4.1: 32 of 1,614,156 alleles (0.002%); highest among the groups gnomAD compares: Middle Eastern, 0.017%; no homozygotes.

Submissions (5):

Labcorp Genetics (formerly Invitae), Labcorp
Classification: Uncertain significance for Aortic aneurysm, familial thoracic 7. Last evaluated: 2025-09-04. Review status: criteria provided, single submitter. Criteria: Invitae Variant Classification Sherloc (09022015). Collection method: clinical testing. Allele origin: germline.
Comment: This sequence change replaces threonine, which is neutral and polar, with methionine, which is neutral and non-polar, at codon 690 of the MYLK protein (p.Thr690Met). This variant is present in population databases (rs368417112, gnomAD 0.003%). This variant has not been reported in the literature in individuals affected with MYLK-related conditions. ClinVar contains an entry for this variant (Variation ID: 624225). Invitae Evidence Modeling of protein sequence and biophysical properties (such as structural, functional, and spatial information, amino acid conservation, physicochemical variation, residue mobility, and thermodynamic stability) indicates that this missense variant is not expected to disrupt MYLK protein function with a negative predictive value of 80%. In summary, the available evidence is currently insufficient to determine the role of this variant in disease. Therefore, it has been classified as a Variant of Uncertain Significance.

Ambry Genetics
Classification: Uncertain significance for Familial thoracic aortic aneurysm and aortic dissection. Last evaluated: 2023-01-03. Review status: criteria provided, single submitter. Criteria: Ambry Variant Classification Scheme 2023. Collection method: clinical testing. Allele origin: germline.
Comment: The p.T690M variant (also known as c.2069C>T), located in coding exon 12 of the MYLK gene, results from a C to T substitution at nucleotide position 2069. The threonine at codon 690 is replaced by methionine, an amino acid with similar properties. This alteration has been reported in an individual with thoracic aortic aneurysm and dissection (TAAD); however, an additional alteration in TGFBR2 was identified, which was thought to be causative (Poninska JK et al. J Transl Med, 2016 May;14:115). This amino acid position is highly conserved in available vertebrate species. In addition, this alteration is predicted to be tolerated by in silico analysis. Since supporting evidence is limited at this time, the clinical significance of this alteration remains unclear.

Fulgent Genetics
Classification: Uncertain significance for Megacystis-microcolon-intestinal hypoperistalsis syndrome 1; Aortic aneurysm, familial thoracic 7. Last evaluated: 2021-08-10. Review status: criteria provided, single submitter. Criteria: ACMG Guidelines, 2015. Collection method: clinical testing. Allele origin: unknown.

GeneDx
Classification: Uncertain significance. Last evaluated: 2021-02-26. Review status: criteria provided, single submitter. Criteria: GeneDx Variant Classification Process June 2021. Collection method: clinical testing. Allele origin: germline. Affected: yes.
Comment: Identified in a family with thoracic aortic aneurysm/dissection and/or features of Loeys-Dietz syndrome in the literature; however, this family also harbored a variant in the TGFBR2 gene which segregated with disease in affected family members while the MYLK variant did not (Poninska et. al., 2016); Not observed at a significant frequency in large population cohorts (Lek et al., 2016); In silico analysis supports that this missense variant does not alter protein structure/function; Reported in ClinVar as a variant of uncertain significance (ClinVar Variant ID# 624225; Landrum et al., 2016); This variant is associated with the following publications: (PMID: 27146836)

CeGaT Center for Human Genetics Tuebingen
Classification: Uncertain significance. Last evaluated: 2018-08-01. Review status: criteria provided, single submitter. Criteria: CeGaT Center For Human Genetics Tuebingen Variant Classification Criteria Version 2. Collection method: clinical testing. Allele origin: germline. Affected: yes. Observed: 3 variant alleles.

Literature cited by the submitters: PubMed 27146836 (cited by Ambry Genetics).

NM_053025.4(MYLK):c.2069C>T (p.Thr690Met)

Gene: MYLK (myosin light chain kinase; minus strand). Cytogenetic location: 3q21.1.
Variant type: single nucleotide variant.
Coding change: c.2069C>T on transcript NM_053025.4 (MANE Select); coding-DNA position 2069, C replaced by T.
Protein change: p.Thr690Met; replaces threonine 690 with methionine.
Molecular consequence: missense variant.
Genome position (GRCh38, 1-based): chr3:123,708,769, G>A on the plus strand (C>T on the coding strand, the complement: MYLK is on the minus strand). VCF-style: chr3-123708769-G-A. GRCh37 (hg19) VCF-style: chr3-123427616-G-A.
Other names: c.1541C>T, p.Thr514Met (NM_001321309.2); c.1862C>T, p.Thr621Met (NM_053026.4, NM_053028.4); c.2069C>T, p.Thr690Met (NM_053027.4); short protein forms T690M, T621M, T514M.
Identifiers: ClinVar variation 624225 (VCV000624225.53), dbSNP rs368417112, ClinGen allele CA067981.